The following is an entry in ClinVar:

ClinVar aggregate classification (germline): Likely benign (0 of 4 stars; one submission).

Conditions:
SDK2-related disorder. Also called: SDK2-related condition.

Allele frequency attached by ClinVar (database versions not stated): gnomAD 0.00014; gnomAD exomes 0.00014; TOPMed 0.00017; ExAC 0.00058.
gnomAD v4.1: 244 of 1,578,032 alleles (0.015%); highest among the groups gnomAD compares: East Asian, 0.021%; no homozygotes.

Submission:

PreventionGenetics, part of Exact Sciences
Classification: Likely benign for SDK2-related condition. Last evaluated: 2019-11-16. Review status: no assertion criteria provided. Collection method: clinical testing. Allele origin: germline.
Comment: This variant is classified as likely benign based on ACMG/AMP sequence variant interpretation guidelines (Richards et al. 2015 PMID: 25741868, with internal and published modifications).

NM_001144952.2(SDK2):c.2940C>T (p.Ser980=)

Gene: SDK2 (sidekick cell adhesion molecule 2; minus strand). Cytogenetic location: 17q25.1.
Variant type: single nucleotide variant.
Coding change: c.2940C>T on transcript NM_001144952.2 (MANE Select); coding-DNA position 2940, C replaced by T.
Protein change: p.Ser980=; no amino-acid change (serine 980 retained).
Molecular consequence: synonymous variant.
Genome position (GRCh38, 1-based): chr17:73,401,051, G>A on the plus strand (C>T on the coding strand, the complement: SDK2 is on the minus strand). VCF-style: chr17-73401051-G-A. GRCh37 (hg19) VCF-style: chr17-71397190-G-A.
Identifiers: ClinVar variation 3048577 (VCV003048577.2), dbSNP rs201256089, ClinGen allele CA8743310.